The following is an entry in ClinVar:

ClinVar aggregate classification (germline): Uncertain significance (1 of 4 stars; one submission).

Submission:

Dasa
Classification: Uncertain significance. Last evaluated: 2025-07-18. Review status: criteria provided, single submitter. Criteria: DASA Assertion Criteria. Collection method: clinical testing. Allele origin: germline.
Comment: NM_002072.5(GNAQ):c.391G>A (p.Ala131Thr) is a missense variant that results in the substitution of alanine with threonine. This variant is rare in population databases. Computational prediction algorithms are consistent with a deleterious effect. The currently available literature and clinical evidence are not sufficient to establish a definitive association between this variant and the reported condition. Therefore, this variant is classified as a variant of uncertain significance.

NM_002072.5(GNAQ):c.391G>A (p.Ala131Thr)

Gene: GNAQ (G protein subunit alpha q; minus strand). Cytogenetic location: 9q21.2.
Variant type: single nucleotide variant.
Coding change: c.391G>A on transcript NM_002072.5 (MANE Select); coding-DNA position 391, G replaced by A.
Protein change: p.Ala131Thr; replaces alanine 131 with threonine.
Molecular consequence: missense variant.
Genome position (GRCh38, 1-based): chr9:77,815,701, C>T on the plus strand (G>A on the coding strand, the complement: GNAQ is on the minus strand). VCF-style: chr9-77815701-C-T. GRCh37 (hg19) VCF-style: chr9-80430617-C-T.
Other names: short protein forms A131T.
Identifiers: ClinVar variation 4881478 (VCV004881478.2).